The following is an entry in ClinVar:

ClinVar aggregate classification (germline): Uncertain significance (1 of 4 stars; one submission).

Conditions:
Peroxisome biogenesis disorder 11A (Zellweger). Also called: Peroxisome biogenesis disorder 11A. Identifiers: Orphanet 912, MedGen C3554000, MONDO:0013949, OMIM 614883.

gnomAD v4.1: 4 of 1,550,394 alleles (0.00026%); highest among the groups gnomAD compares: South Asian, 0.0036%; no homozygotes.

Submission:

Labcorp Genetics (formerly Invitae), Labcorp
Classification: Uncertain significance for Peroxisome biogenesis disorder 11A (Zellweger). Last evaluated: 2021-10-21. Review status: criteria provided, single submitter. Criteria: Invitae Variant Classification Sherloc (09022015). Collection method: clinical testing. Allele origin: germline.
Comment: Algorithms developed to predict the effect of missense changes on protein structure and function are either unavailable or do not agree on the potential impact of this missense change (SIFT: "Tolerated"; PolyPhen-2: "Probably Damaging"; Align-GVGD: "Class C0"). This variant has not been reported in the literature in individuals affected with PEX13-related conditions. This variant is not present in population databases (ExAC no frequency). This sequence change replaces lysine with arginine at codon 10 of the PEX13 protein (p.Lys10Arg). The lysine residue is highly conserved and there is a small physicochemical difference between lysine and arginine. Algorithms developed to predict the effect of sequence changes on RNA splicing suggest that this variant may create or strengthen a splice site. In summary, the available evidence is currently insufficient to determine the role of this variant in disease. Therefore, it has been classified as a Variant of Uncertain Significance.

NM_002618.4(PEX13):c.29A>G (p.Lys10Arg)

Genes: PUS10 (pseudouridine synthase 10; minus strand), PEX13 (peroxisomal biogenesis factor 13; plus strand). Cytogenetic location: 2p15.
Variant type: single nucleotide variant.
Coding change: c.29A>G on transcript NM_002618.4 (MANE Select); coding-DNA position 29, A replaced by G.
Protein change: p.Lys10Arg; replaces lysine 10 with arginine.
Molecular consequence: missense variant. On other transcripts: intron variant (2).
Genome position (GRCh38, 1-based): chr2:61,017,788, A>G. VCF-style: chr2-61017788-A-G. GRCh37 (hg19) VCF-style: chr2-61244923-A-G.
Other names: c.-16+220T>C (NM_144709.4); c.-623+220T>C (NM_001322127.1); short protein forms K10R.
Identifiers: ClinVar variation 1422133 (VCV001422133.6), dbSNP rs1230492316, ClinGen allele CA346936784.
Genomic context (GRCh38, chr2:61,017,788, plus strand): 5'-GTAGGAGCGGGAGCCGAGAGGAGGCGGAGGAGATGGCGTCCCAGCCGCCACCTCCCCCCA[A>G]ACCCTGGGAGACCCGCCGAATTCCGGGAGCCGGACCGGGACCAGGACCGGGCCCCACTTT-3'
Protein context (NP_002609.1, residues 1-20): MASQPPPPP[Lys10Arg]PWETRRIPGA